The following is an entry in ClinVar:

ClinVar aggregate classification (germline): Likely pathogenic (1 of 4 stars; one submission).

Conditions:
Intellectual developmental disorder, autosomal dominant 63, with macrocephaly. Also called: MENTAL RETARDATION, AUTOSOMAL DOMINANT 63, WITH MACROCEPHALY. Identifiers: MedGen C5394205, MONDO:0032939, OMIM 618825.

Submission:

3billion
Classification: Likely pathogenic for Intellectual developmental disorder, autosomal dominant 63, with macrocephaly. Last evaluated: 2023-12-29. Review status: criteria provided, single submitter. Criteria: ACMG Guidelines, 2015. Collection method: clinical testing. Allele origin: germline. Affected: yes.
Comment: The variant is not observed in the gnomAD v2.1.1 dataset. Predicted Consequence/Location: Frameshift: predicted to result in a loss or disruption of normal protein function through nonsense-mediated decay (NMD) or protein truncation. Multiple pathogenic variants are reported downstream of the variant. Therefore, this variant is classified as Likely pathogenic according to the recommendation of ACMG/AMP guideline.

NM_007118.4(TRIO):c.6893_6968del (p.Gly2298fs)

Gene: TRIO (trio Rho guanine nucleotide exchange factor; plus strand). Cytogenetic location: 5p15.2.
Variant type: Deletion.
Coding change: c.6893_6968del on transcript NM_007118.4 (MANE Select); coding-DNA positions 6893 to 6968, 76 bases deleted.
Protein change: p.Gly2298fs; shifts the reading frame from glycine 2298.
Molecular consequence: frameshift variant. On other transcripts: non-coding transcript variant (1).
Genome position (GRCh38, 1-based): chr5:14,487,521-14,487,596, 76 bases deleted. GRCh37 (hg19): chr5:14,487,630-14,487,705.
Other names: short protein forms G2298fs.
Identifiers: ClinVar variation 3775856 (VCV003775856.1).